The following is an entry in ClinVar:

ClinVar aggregate classification (germline): Pathogenic (1 of 4 stars; one submission).

Conditions:
Nance-Horan syndrome (NHS). Identifiers: MedGen C0796085, MONDO:0010545, OMIM 302350, Orphanet 627.

Submission:

Labcorp Genetics (formerly Invitae), Labcorp
Classification: Pathogenic for Nance-Horan syndrome. Last evaluated: 2021-03-08. Review status: criteria provided, single submitter. Criteria: Invitae Variant Classification Sherloc (09022015). Collection method: clinical testing. Allele origin: germline.
Comment: Disruption of this splice site has been observed in individual(s) with Nance-Horan syndrome (PMID: 16736028). It has also been observed to segregate with disease in related individuals. This variant is not present in population databases (ExAC no frequency). This sequence change affects an acceptor splice site in intron 3 of the NHS gene. It is expected to disrupt RNA splicing. Variants that disrupt the donor or acceptor splice site typically lead to a loss of protein function (PMID: 16199547), and loss-of-function variants in NHS are known to be pathogenic (PMID: 14564667, 19414485). Algorithms developed to predict the effect of sequence changes on RNA splicing suggest that this variant may disrupt the consensus splice site, but this prediction has not been confirmed by published transcriptional studies. For these reasons, this variant has been classified as Pathogenic.

Literature cited by the submitters: PubMed 16736028; PubMed 16199547; PubMed 14564667; PubMed 19414485.

NM_001291867.2(NHS):c.916-2A>T

Gene: NHS (NHS actin remodeling regulator; plus strand). Cytogenetic location: Xp22.13.
Variant type: single nucleotide variant.
Coding change: c.916-2A>T on transcript NM_001291867.2 (MANE Select); the canonical splice acceptor site of the intron before coding-DNA position 916, A replaced by T.
Molecular consequence: splice acceptor variant.
Genome position (GRCh38, 1-based): chrX:17,721,439, A>T. VCF-style: chrX-17721439-A-T. GRCh37 (hg19) VCF-style: chrX-17739559-A-T.
Other names: c.853-2A>T (NM_198270.4); c.385-2A>T (NM_001136024.4); c.322-2A>T (NM_001291868.2).
Identifiers: ClinVar variation 1363083 (VCV001363083.8), dbSNP rs786205257, ClinGen allele CA412347820.